The following is an entry in ClinVar:

NM_144596.4(TTC8):c.1401G>A (p.Pro467=)

Gene: TTC8 (tetratricopeptide repeat domain 8; plus strand). Cytogenetic location: 14q31.3.
Variant type: single nucleotide variant.
Coding change: c.1401G>A on transcript NM_144596.4 (MANE Select); coding-DNA position 1401, G replaced by A.
Protein change: p.Pro467=; no amino-acid change (proline 467 retained).
Molecular consequence: synonymous variant. On other transcripts: non-coding transcript variant (1), intron variant (2).
Genome position (GRCh38, 1-based): chr14:88,875,079, G>A. VCF-style: chr14-88875079-G-A. GRCh37 (hg19) VCF-style: chr14-89341423-G-A.
Other names: c.1449G>A, p.Pro483= (NM_001288781.1); c.807G>A, p.Pro269= (NM_001288782.1); c.684G>A, p.Pro228= (NM_001288783.1); c.1371G>A, p.Pro457= (NM_198309.3); c.1281G>A, p.Pro427= (NM_198310.3); c.1318-2215G>A (NM_001366535.2); c.1228-2215G>A (NM_001366536.2).
Identifiers: ClinVar variation 262513 (VCV000262513.21), dbSNP rs114064158, ClinGen allele CA7302749.

ClinVar aggregate classification (germline): Conflicting classifications of pathogenicity. Review status: criteria provided, conflicting classifications (1 of 4 stars). 6 submissions from 5 submitters: Uncertain significance (1); Benign (2); Likely benign (2). 1 of the submissions does not count toward it. Last evaluated 2026-02-02.

Conditions:
Bardet-Biedl syndrome (BBS). Identifiers: Orphanet 110, MedGen C0752166, MONDO:0015229.
TTC8-related disorder. Also called: TTC8-related condition.
Retinitis pigmentosa (RP). Identifiers: Orphanet 791, MedGen C0035334, MeSH D012174, MONDO:0019200, OMIM 268000. Inheritance: Autosomal dominant, autosomal recessive and X linked inheritance.
Bardet-Biedl syndrome 8 (BBS8). Identifiers: Orphanet 110, MedGen C1859566, MONDO:0014436, OMIM 615985.

Allele frequency attached by ClinVar (database versions not stated): gnomAD exomes 0.00034 and 0.00088; ExAC 0.00093; gnomAD 0.00299 and 0.00319; 1000 Genomes Project 30x 0.00328; 1000 Genomes Project 0.00339; TOPMed 0.00359; ESP Exome Variant Server 0.00400.
gnomAD v4.1: 966 of 1,612,240 alleles (0.06%); highest among the groups gnomAD compares: African/African-American, 1%; 3 homozygotes.

Submissions (6):

Labcorp Genetics (formerly Invitae), Labcorp
Classification: Benign for Bardet-Biedl syndrome. Last evaluated: 2026-02-02. Review status: criteria provided, single submitter. Criteria: Invitae Variant Classification Sherloc (09022015). Collection method: clinical testing. Allele origin: germline.

Blueprint Genetics
Classification: Likely benign. Last evaluated: 2024-03-07. Review status: criteria provided, single submitter. Criteria: ACMG Guidelines, 2015. Collection method: clinical testing. Allele origin: germline.

Genetic Services Laboratory, University of Chicago
Classification: Benign. Last evaluated: 2021-05-25. Review status: criteria provided, single submitter. Criteria: ACMG Guidelines, 2015. Collection method: clinical testing. Allele origin: germline. Affected: no.

Illumina Laboratory Services, Illumina
Classification: Uncertain significance for Retinitis pigmentosa. Last evaluated: 2018-01-13. Review status: criteria provided, single submitter. Criteria: ICSL Variant Classification Criteria 13 December 2019. Collection method: clinical testing. Allele origin: germline.

Illumina Laboratory Services, Illumina
Classification: Likely benign for Bardet-Biedl syndrome 8. Last evaluated: 2018-01-13. Review status: criteria provided, single submitter. Criteria: ICSL Variant Classification Criteria 13 December 2019. Collection method: clinical testing. Allele origin: germline.
Comment: This variant was observed in the ICSL laboratory as part of a predisposition screen in an ostensibly healthy population. It had not been previously curated by ICSL or reported in the Human Gene Mutation Database (HGMD: prior to June 1st, 2018), and was therefore a candidate for classification through an automated scoring system. Utilizing variant allele frequency, disease prevalence and penetrance estimates, and inheritance mode, an automated score was calculated to assess if this variant is too frequent to cause the disease. Based on the score and internal cut-off values, a variant classified as likely benign is not then subjected to further curation. The score for this variant resulted in a classification of likely benign for this disease.

PreventionGenetics, part of Exact Sciences
Classification: Benign for TTC8-related condition. Last evaluated: 2022-09-24. Review status: no assertion criteria provided. Collection method: clinical testing. Allele origin: germline. Not counted in ClinVar's aggregate classification.
Comment: This variant is classified as benign based on ACMG/AMP sequence variant interpretation guidelines (Richards et al. 2015 PMID: 25741868, with internal and published modifications).